The following is an entry in ClinVar:

NM_000717.5(CA4):c.850_851dup (p.Gly285fs)

Gene: CA4 (carbonic anhydrase 4; plus strand). Cytogenetic location: 17q23.1.
Variant type: Duplication.
Coding change: c.850_851dup on transcript NM_000717.5 (MANE Select); coding-DNA positions 850 to 851, 2 bases duplicated (TC; older notation c.850_851dupTC).
Protein change: p.Gly285fs; shifts the reading frame from glycine 285.
Molecular consequence: frameshift variant. On other transcripts: non-coding transcript variant (1).
Genome position (GRCh38, 1-based): chr17:60,159,335-60,159,336, TC duplicated. VCF-style (leftmost placement, unchanged base first): chr17-60159334-G-GTC. GRCh37 (hg19) VCF-style: chr17-58236695-G-GTC.
Other names: short protein forms G285fs.
Identifiers: ClinVar variation 4703601 (VCV004703601.2).
Genomic context (GRCh38, chr17:60,159,334, plus strand): 5'-AGTGAGCATGAAGGACAATGTCAGGCCCCTGCAGCAGCTGGGGCAGCGCACGGTGATAAA[G>GTC]TCCGGGGCCCCGGGTCGGCCGCTGCCCTGGGCCCTGCCTGCCCTGCTGGGCCCCATGCTG-3'

ClinVar aggregate classification (germline): Uncertain significance. Review status: criteria provided, multiple submitters, no conflicts (2 of 4 stars). 2 submissions from 2 submitters: Uncertain significance (2). Last evaluated 2025-02-19.

Submissions (2):

Labcorp Genetics (formerly Invitae), Labcorp
Classification: Uncertain significance. Last evaluated: 2025-02-19. Review status: criteria provided, single submitter. Criteria: Invitae Variant Classification Sherloc (09022015). Collection method: clinical testing. Allele origin: germline.
Comment: This sequence change results in a frameshift in the CA4 gene (p.Gly285Profs*52). While this is not anticipated to result in nonsense mediated decay, it is expected to disrupt the last 28 amino acid(s) of the CA4 protein and extend the protein by 23 additional amino acid residues. This variant is not present in population databases (gnomAD no frequency). This variant has not been reported in the literature in individuals affected with CA4-related conditions. Experimental studies and prediction algorithms are not available or were not evaluated, and the functional significance of this variant is currently unknown. In summary, the available evidence is currently insufficient to determine the role of this variant in disease. Therefore, it has been classified as a Variant of Uncertain Significance.

Blueprint Genetics
Classification: Uncertain significance. Last evaluated: 2019-08-05. Review status: criteria provided, single submitter. Criteria: ACMG Guidelines, 2015. Collection method: clinical testing. Allele origin: germline.